The following is an entry in ClinVar:

ClinVar aggregate classification (germline): Uncertain significance (1 of 4 stars; one submission).

Conditions:
Neuronal ceroid lipofuscinosis. Also called: Neuronal Ceroid Lipofuscinoses. Identifiers: Orphanet 216, Orphanet 79263, MedGen C0027877, MONDO:0016295. Disease mechanism: loss of function.

Allele frequency attached by ClinVar (database versions not stated): TOPMed below 0.00001; ExAC 0.00001; gnomAD 0.00001; gnomAD exomes 0.00001; 1000 Genomes Project 30x 0.00016; 1000 Genomes Project 0.00020.
gnomAD v4.1: 13 of 1,613,888 alleles (0.00081%); highest among the groups gnomAD compares: South Asian, 0.0044%; no homozygotes.

Submission:

Labcorp Genetics (formerly Invitae), Labcorp
Classification: Uncertain significance for Neuronal ceroid lipofuscinosis. Last evaluated: 2024-05-15. Review status: criteria provided, single submitter. Criteria: Invitae Variant Classification Sherloc (09022015). Collection method: clinical testing. Allele origin: germline.
Comment: This sequence change replaces arginine, which is basic and polar, with histidine, which is basic and polar, at codon 33 of the CTSD protein (p.Arg33His). This variant is present in population databases (rs557024887, gnomAD 0.005%). This variant has not been reported in the literature in individuals affected with CTSD-related conditions. ClinVar contains an entry for this variant (Variation ID: 2048121). An algorithm developed to predict the effect of missense changes on protein structure and function (PolyPhen-2) suggests that this variant is likely to be disruptive. In summary, the available evidence is currently insufficient to determine the role of this variant in disease. Therefore, it has been classified as a Variant of Uncertain Significance.

NM_001909.5(CTSD):c.98G>A (p.Arg33His)

Genes: PRADX (PRC2 and DDX5 associated lncRNA; plus strand), CTSD (cathepsin D; minus strand). Cytogenetic location: 11p15.5.
Variant type: single nucleotide variant.
Coding change: c.98G>A on transcript NM_001909.5 (MANE Select); coding-DNA position 98, G replaced by A.
Protein change: p.Arg33His; replaces arginine 33 with histidine.
Molecular consequence: missense variant.
Genome position (GRCh38, 1-based): chr11:1,761,439, C>T on the plus strand (G>A on the coding strand, the complement: CTSD is on the minus strand). VCF-style: chr11-1761439-C-T. GRCh37 (hg19) VCF-style: chr11-1782669-C-T.
Other names: short protein forms R33H.
Identifiers: ClinVar variation 2048121 (VCV002048121.2), dbSNP rs557024887, ClinGen allele CA5814294.